The following is an entry in ClinVar:

ClinVar aggregate classification (germline): Uncertain significance (1 of 4 stars; one submission).

gnomAD v4.1: 1 of 1,614,026 alleles (0.000062%); highest among the groups gnomAD compares: South Asian, 0.0011%; no homozygotes.

Submission:

Labcorp Genetics (formerly Invitae), Labcorp
Classification: Uncertain significance. Last evaluated: 2024-03-19. Review status: criteria provided, single submitter. Criteria: Invitae Variant Classification Sherloc (09022015). Collection method: clinical testing. Allele origin: germline.
Comment: This sequence change replaces glycine, which is neutral and non-polar, with aspartic acid, which is acidic and polar, at codon 774 of the CSF2RB protein (p.Gly774Asp). This variant is not present in population databases (gnomAD no frequency). This variant has not been reported in the literature in individuals affected with CSF2RB-related conditions. Advanced modeling of protein sequence and biophysical properties (such as structural, functional, and spatial information, amino acid conservation, physicochemical variation, residue mobility, and thermodynamic stability) performed at Invitae indicates that this missense variant is not expected to disrupt CSF2RB protein function with a negative predictive value of 80%. In summary, the available evidence is currently insufficient to determine the role of this variant in disease. Therefore, it has been classified as a Variant of Uncertain Significance.

NM_000395.3(CSF2RB):c.2321G>A (p.Gly774Asp)

Gene: CSF2RB (colony stimulating factor 2 receptor subunit beta; plus strand). Cytogenetic location: 22q12.3.
Variant type: single nucleotide variant.
Coding change: c.2321G>A on transcript NM_000395.3 (MANE Select); coding-DNA position 2321, G replaced by A.
Protein change: p.Gly774Asp; replaces glycine 774 with aspartic acid.
Molecular consequence: missense variant.
Genome position (GRCh38, 1-based): chr22:36,938,129, G>A. VCF-style: chr22-36938129-G-A. GRCh37 (hg19) VCF-style: chr22-37334171-G-A.
Other names: c.2339G>A, p.Gly780Asp (NM_001410827.1); short protein forms G774D, G780D.
Identifiers: ClinVar variation 3686022 (VCV003686022.2).